The following is an entry in ClinVar:

NM_001079802.2(FKTN):c.961G>A (p.Gly321Arg)

Gene: FKTN (fukutin; plus strand). Cytogenetic location: 9q31.2.
Variant type: single nucleotide variant.
Coding change: c.961G>A on transcript NM_001079802.2 (MANE Select); coding-DNA position 961, G replaced by A.
Protein change: p.Gly321Arg; replaces glycine 321 with arginine.
Molecular consequence: missense variant. On other transcripts: non-coding transcript variant (1).
Genome position (GRCh38, 1-based): chr9:105,618,009, G>A. VCF-style: chr9-105618009-G-A. GRCh37 (hg19) VCF-style: chr9-108380290-G-A.
Other names: c.961G>A, p.Gly321Arg (NM_001198963.2, NM_001351496.2, NM_001351498.2 and 1 more transcripts); c.892G>A, p.Gly298Arg (NM_001351497.2); c.565G>A, p.Gly189Arg (NM_001351499.2, NM_001351500.2, NM_001351501.2 and 1 more transcripts); short protein forms G189R, G298R, G321R.
Identifiers: ClinVar variation 949609 (VCV000949609.1), dbSNP rs1831143790, ClinGen allele CA374377492.

ClinVar aggregate classification (germline): Uncertain significance (1 of 4 stars; one submission).

Conditions:
Walker-Warburg congenital muscular dystrophy. Also called: Muscular dystrophy-dystroglycanopathy, type A; Walker-Warburg syndrome. Identifiers: Orphanet 899, MedGen C0265221, MONDO:0000171.

Submission:

Labcorp Genetics (formerly Invitae), Labcorp
Classification: Uncertain significance for Walker-Warburg congenital muscular dystrophy. Last evaluated: 2019-05-17. Review status: criteria provided, single submitter. Criteria: Invitae Variant Classification Sherloc (09022015). Collection method: clinical testing. Allele origin: germline.
Comment: This sequence change replaces glycine with arginine at codon 321 of the FKTN protein (p.Gly321Arg). The glycine residue is highly conserved and there is a moderate physicochemical difference between glycine and arginine. This variant is not present in population databases (ExAC no frequency). This variant has not been reported in the literature in individuals with FKTN-related conditions. Algorithms developed to predict the effect of missense changes on protein structure and function (SIFT, PolyPhen-2, Align-GVGD) all suggest that this variant is likely to be disruptive, but these predictions have not been confirmed by published functional studies and their clinical significance is uncertain. In summary, the available evidence is currently insufficient to determine the role of this variant in disease. Therefore, it has been classified as a Variant of Uncertain Significance.